The following is an entry in ClinVar:

ClinVar aggregate classification (germline): Benign/Likely benign. Review status: criteria provided, multiple submitters, no conflicts (2 of 4 stars). 3 submissions from 3 submitters: Benign (1); Likely benign (2). Last evaluated 2025-10-23.

Conditions:
Mitochondrial complex II deficiency, nuclear type 1. Also called: SUCCINATE CoQ REDUCTASE DEFICIENCY. Identifiers: Orphanet 3208, MedGen C5700310, MONDO:0100294, OMIM 252011.
Pheochromocytoma/paraganglioma syndrome 5. Also called: Paragangliomas 5; SDHA-Related Hereditary Paraganglioma-Pheochromocytoma Syndrome. Identifiers: Orphanet 29072, MedGen C3279992, MONDO:0013602, OMIM 614165.
Hereditary cancer-predisposing syndrome. Also called: Neoplastic Syndromes, Hereditary; Hereditary Cancer Syndrome; Hereditary neoplastic syndrome; Tumor predisposition. Identifiers: Orphanet 140162, MedGen C0027672, MeSH D009386, MONDO:0015356.

gnomAD v4.1: 4 of 1,614,036 alleles (0.00025%); highest among the groups gnomAD compares: African/African-American, 0.0027%; no homozygotes.

Submissions (3):

Labcorp Genetics (formerly Invitae), Labcorp
Classification: Likely benign for Pheochromocytoma/paraganglioma syndrome 5; Mitochondrial complex II deficiency, nuclear type 1. Last evaluated: 2025-10-23. Review status: criteria provided, single submitter. Criteria: Invitae Variant Classification Sherloc (09022015). Collection method: clinical testing. Allele origin: germline.

Myriad Genetics, Inc.
Classification: Benign for Pheochromocytoma/paraganglioma syndrome 5. Last evaluated: 2025-03-07. Review status: criteria provided, single submitter. Criteria: Myriad Autosomal Dominant, Autosomal Recessive and X-Linked Classification Criteria (2023). Collection method: clinical testing. Allele origin: unknown.
Comment: This variant is considered benign. This variant is a silent/synonymous amino acid change and it is not expected to impact splicing.

Ambry Genetics
Classification: Likely benign for Hereditary cancer-predisposing syndrome. Last evaluated: 2015-11-12. Review status: criteria provided, single submitter. Criteria: Ambry Variant Classification Scheme 2023. Collection method: clinical testing. Allele origin: germline.

NM_004168.4(SDHA):c.1026G>A (p.Val342=)

Gene: SDHA (succinate dehydrogenase complex flavoprotein subunit A; plus strand). Cytogenetic location: 5p15.33.
Variant type: single nucleotide variant.
Coding change: c.1026G>A on transcript NM_004168.4 (MANE Select); coding-DNA position 1026, G replaced by A.
Protein change: p.Val342=; no amino-acid change (valine 342 retained).
Molecular consequence: synonymous variant.
Genome position (GRCh38, 1-based): chr5:233,607, G>A. VCF-style: chr5-233607-G-A. GRCh37 (hg19) VCF-style: chr5-233722-G-A.
Other names: c.882G>A, p.Val294= (NM_001294332.2); c.1026G>A, p.Val342= (NM_001330758.2).
Identifiers: ClinVar variation 472294 (VCV000472294.14), dbSNP rs1060505004, ClinGen allele CA442691718.